The following is an entry in ClinVar:

ClinVar aggregate classification (germline): Uncertain significance (1 of 4 stars; one submission).

Submission:

Labcorp Genetics (formerly Invitae), Labcorp
Classification: Uncertain significance. Last evaluated: 2024-11-24. Review status: criteria provided, single submitter. Criteria: Invitae Variant Classification Sherloc (09022015). Collection method: clinical testing. Allele origin: germline.
Comment: This sequence change replaces arginine, which is basic and polar, with glutamine, which is neutral and polar, at codon 246 of the CTU2 protein (p.Arg246Gln). This variant also falls at the last nucleotide of exon 7, which is part of the consensus splice site for this exon. This variant is not present in population databases (gnomAD no frequency). This variant has not been reported in the literature in individuals affected with CTU2-related conditions. An algorithm developed to predict the effect of missense changes on protein structure and function (PolyPhen-2) suggests that this variant is likely to be disruptive. Variants that disrupt the consensus splice site are a relatively common cause of aberrant splicing (PMID: 17576681, 9536098). Algorithms developed to predict the effect of sequence changes on RNA splicing suggest that this variant may disrupt the consensus splice site. In summary, the available evidence is currently insufficient to determine the role of this variant in disease. Therefore, it has been classified as a Variant of Uncertain Significance.

Literature cited by the submitters: PubMed 17576681; PubMed 9536098.

NM_001012759.3(CTU2):c.737G>A (p.Arg246Gln)

Gene: CTU2 (cytosolic thiouridylase subunit 2; plus strand). Cytogenetic location: 16q24.3.
Variant type: single nucleotide variant.
Coding change: c.737G>A on transcript NM_001012759.3 (MANE Select); coding-DNA position 737, G replaced by A.
Protein change: p.Arg246Gln; replaces arginine 246 with glutamine.
Molecular consequence: missense variant.
Genome position (GRCh38, 1-based): chr16:88,712,905, G>A. VCF-style: chr16-88712905-G-A. GRCh37 (hg19) VCF-style: chr16-88779313-G-A.
Other names: c.737G>A, p.Arg246Gln (NM_001012762.3); c.950G>A, p.Arg317Gln (NM_001318507.2); c.476G>A, p.Arg159Gln (NM_001318513.2); short protein forms R159Q, R246Q, R317Q.
Identifiers: ClinVar variation 3706762 (VCV003706762.2).